The following is an entry in ClinVar:

NM_001395413.1(POR):c.1923C>A (p.Asn641Lys)

Gene: POR (cytochrome p450 oxidoreductase; plus strand). Cytogenetic location: 7q11.23.
Variant type: single nucleotide variant.
Coding change: c.1923C>A on transcript NM_001395413.1 (MANE Select); coding-DNA position 1923, C replaced by A.
Protein change: p.Asn641Lys; replaces asparagine 641 with lysine.
Molecular consequence: missense variant.
Genome position (GRCh38, 1-based): chr7:75,986,370, C>A. VCF-style: chr7-75986370-C-A. GRCh37 (hg19) VCF-style: chr7-75615688-C-A.
Other names: c.1923C>A, p.Asn641Lys (NM_001367562.3, NM_001382657.2, NM_001382658.3 and 1 more transcripts); c.1977C>A, p.Asn659Lys (NM_001382655.3); c.1773C>A, p.Asn591Lys (NM_001382662.3); short protein forms N591K, N641K, N659K.
Identifiers: ClinVar variation 1510769 (VCV001510769.3), dbSNP rs781793669, ClinGen allele CA4304367.

ClinVar aggregate classification (germline): Uncertain significance (1 of 4 stars; one submission).

Conditions:
Congenital adrenal hyperplasia due to cytochrome P450 oxidoreductase deficiency. Also called: DISORDERED STEROIDOGENESIS DUE TO POR DEFICIENCY. Identifiers: Orphanet 95699, MedGen C1860042, MONDO:0013310, OMIM 613571.

gnomAD v4.1: 20 of 1,612,512 alleles (0.0012%); highest among the groups gnomAD compares: Non-Finnish European, 0.0016%; no homozygotes.

Submission:

Labcorp Genetics (formerly Invitae), Labcorp
Classification: Uncertain significance for Congenital adrenal hyperplasia due to cytochrome P450 oxidoreductase deficiency. Last evaluated: 2021-11-12. Review status: criteria provided, single submitter. Criteria: Invitae Variant Classification Sherloc (09022015). Collection method: clinical testing. Allele origin: germline.
Comment: This sequence change replaces asparagine, which is neutral and polar, with lysine, which is basic and polar, at codon 644 of the POR protein (p.Asn644Lys). This variant is present in population databases (rs781793669, gnomAD 0.007%). This variant has not been reported in the literature in individuals affected with POR-related conditions. Algorithms developed to predict the effect of missense changes on protein structure and function (SIFT, PolyPhen-2, Align-GVGD) all suggest that this variant is likely to be tolerated. In summary, the available evidence is currently insufficient to determine the role of this variant in disease. Therefore, it has been classified as a Variant of Uncertain Significance.